The following is an entry in ClinVar:

NM_000035.4(ALDOB):c.606C>T (p.Cys202=)

Gene: ALDOB (aldolase, fructose-bisphosphate B; minus strand). Cytogenetic location: 9q31.1.
Variant type: single nucleotide variant.
Coding change: c.606C>T on transcript NM_000035.4 (MANE Select); coding-DNA position 606, C replaced by T.
Protein change: p.Cys202=; no amino-acid change (cysteine 202 retained).
Molecular consequence: synonymous variant.
Genome position (GRCh38, 1-based): chr9:101,426,573, G>A on the plus strand (C>T on the coding strand, the complement: ALDOB is on the minus strand). VCF-style: chr9-101426573-G-A. GRCh37 (hg19) VCF-style: chr9-104188855-G-A.
Other names: c.606C>T (NM_000035.3).
Identifiers: ClinVar variation 2889637 (VCV002889637.5), dbSNP rs1181672712, ClinGen allele CA466462801.

ClinVar aggregate classification (germline): Likely benign. Review status: criteria provided, single submitter (1 of 4 stars). 2 submissions from 2 submitters: Likely benign (1). 1 of the submissions does not count toward it. Last evaluated 2023-11-20.

Conditions:
ALDOB-related disorder. Also called: ALDOB-related condition.
Hereditary fructosuria. Also called: Fructose intolerance; Hereditary fructose intolerance; ALDOB DEFICIENCY; ALDOLASE B DEFICIENCY; FRUCTOSE-1,6-BISPHOSPHATE ALDOLASE B DEFICIENCY; FRUCTOSE-1-PHOSPHATE ALDOLASE DEFICIENCY. Identifiers: Orphanet 469, MedGen C0016751, MONDO:0009249, OMIM 229600, HP:0005973. Disease mechanism: loss of function.

Allele frequency attached by ClinVar (database versions not stated): gnomAD 0.00001; gnomAD exomes 0.00002.

Submissions (2):

Labcorp Genetics (formerly Invitae), Labcorp
Classification: Likely benign for Hereditary fructosuria. Last evaluated: 2023-11-20. Review status: criteria provided, single submitter. Criteria: Invitae Variant Classification Sherloc (09022015). Collection method: clinical testing. Allele origin: germline.

PreventionGenetics, part of Exact Sciences
Classification: Likely benign for ALDOB-related condition. Last evaluated: 2023-08-30. Review status: no assertion criteria provided. Collection method: clinical testing. Allele origin: germline. Not counted in ClinVar's aggregate classification.
Comment: This variant is classified as likely benign based on ACMG/AMP sequence variant interpretation guidelines (Richards et al. 2015 PMID: 25741868, with internal and published modifications).